The following is an entry in ClinVar:

ClinVar aggregate classification (germline): Uncertain significance (1 of 4 stars; one submission).

gnomAD v4.1: 28 of 1,613,958 alleles (0.0017%); highest among the groups gnomAD compares: East Asian, 0.013%; no homozygotes.

Submission:

Labcorp Genetics (formerly Invitae), Labcorp
Classification: Uncertain significance. Last evaluated: 2024-12-30. Review status: criteria provided, single submitter. Criteria: Invitae Variant Classification Sherloc (09022015). Collection method: clinical testing. Allele origin: germline.
Comment: This sequence change replaces alanine, which is neutral and non-polar, with valine, which is neutral and non-polar, at codon 106 of the BUB1 protein (p.Ala106Val). This variant is present in population databases (rs373955136, gnomAD 0.01%). This variant has not been reported in the literature in individuals affected with BUB1-related conditions. Experimental studies and prediction algorithms are not available or were not evaluated, and the functional significance of this variant is currently unknown. In summary, the available evidence is currently insufficient to determine the role of this variant in disease. Therefore, it has been classified as a Variant of Uncertain Significance.

NM_004336.5(BUB1):c.317C>T (p.Ala106Val)

Gene: BUB1 (BUB1 mitotic checkpoint serine/threonine kinase; minus strand). Cytogenetic location: 2q13.
Variant type: single nucleotide variant.
Coding change: c.317C>T on transcript NM_004336.5 (MANE Select); coding-DNA position 317, C replaced by T.
Protein change: p.Ala106Val; replaces alanine 106 with valine.
Molecular consequence: missense variant.
Genome position (GRCh38, 1-based): chr2:110,672,766, G>A on the plus strand (C>T on the coding strand, the complement: BUB1 is on the minus strand). VCF-style: chr2-110672766-G-A. GRCh37 (hg19) VCF-style: chr2-111430343-G-A.
Other names: c.257C>T, p.Ala86Val (NM_001278616.2); c.317C>T, p.Ala106Val (NM_001278617.2); short protein forms A106V, A86V.
Identifiers: ClinVar variation 3632866 (VCV003632866.2).